The following is an entry in ClinVar:

ClinVar aggregate classification (germline): Likely benign (0 of 4 stars; one submission).

Conditions:
NBEAL2-related disorder. Also called: NBEAL2-related condition.

Allele frequency attached by ClinVar (database versions not stated): TOPMed below 0.00001.
gnomAD v4.1: 1 of 1,613,852 alleles (0.000062%); no homozygotes.

Submission:

PreventionGenetics, part of Exact Sciences
Classification: Likely benign for NBEAL2-related condition. Last evaluated: 2019-06-26. Review status: no assertion criteria provided. Collection method: clinical testing. Allele origin: germline.
Comment: This variant is classified as likely benign based on ACMG/AMP sequence variant interpretation guidelines (Richards et al. 2015 PMID: 25741868, with internal and published modifications).

NM_015175.3(NBEAL2):c.4047C>A (p.Leu1349=)

Gene: NBEAL2 (neurobeachin like 2; plus strand). Cytogenetic location: 3p21.31.
Variant type: single nucleotide variant.
Coding change: c.4047C>A on transcript NM_015175.3 (MANE Select); coding-DNA position 4047, C replaced by A.
Protein change: p.Leu1349=; no amino-acid change (leucine 1349 retained).
Molecular consequence: synonymous variant.
Genome position (GRCh38, 1-based): chr3:47,000,146, C>A. VCF-style: chr3-47000146-C-A. GRCh37 (hg19) VCF-style: chr3-47041636-C-A.
Other names: c.3945C>A, p.Leu1315= (NM_001365116.2).
Identifiers: ClinVar variation 3042827 (VCV003042827.2), dbSNP rs764092675, ClinGen allele CA433598372.